The following is an entry in ClinVar:

ClinVar aggregate classification (germline): Uncertain significance. Review status: criteria provided, multiple submitters, no conflicts (2 of 4 stars). 2 submissions from 2 submitters: Uncertain significance (2). Last evaluated 2024-02-17.

Conditions:
Immunodeficiency 35 (IMD35). Also called: TYK2 DEFICIENCY; Susceptibility to infection due to TYK2 deficiency; HIES WITH ATYPICAL MYCOBACTERIOSIS, AUTOSOMAL RECESSIVE; HYPER-IgE SYNDROME WITH ATYPICAL MYCOBACTERIOSIS, AUTOSOMAL RECESSIVE. Identifiers: Orphanet 331226, MedGen C1969086, MONDO:0012682, OMIM 611521.

Allele frequency attached by ClinVar (database versions not stated): gnomAD 0.00001; ExAC 0.00002; gnomAD exomes 0.00002.
gnomAD v4.1: 12 of 1,613,070 alleles (0.00074%); highest among the groups gnomAD compares: South Asian, 0.013%; no homozygotes.

Submissions (2):

Labcorp Genetics (formerly Invitae), Labcorp
Classification: Uncertain significance for Immunodeficiency 35. Last evaluated: 2024-02-17. Review status: criteria provided, single submitter. Criteria: Invitae Variant Classification Sherloc (09022015). Collection method: clinical testing. Allele origin: germline.
Comment: This sequence change replaces leucine, which is neutral and non-polar, with arginine, which is basic and polar, at codon 1109 of the TYK2 protein (p.Leu1109Arg). This variant is present in population databases (rs753179617, gnomAD 0.02%). This variant has not been reported in the literature in individuals affected with TYK2-related conditions. ClinVar contains an entry for this variant (Variation ID: 1376618). Advanced modeling of protein sequence and biophysical properties (such as structural, functional, and spatial information, amino acid conservation, physicochemical variation, residue mobility, and thermodynamic stability) performed at Invitae indicates that this missense variant is not expected to disrupt TYK2 protein function with a negative predictive value of 80%. In summary, the available evidence is currently insufficient to determine the role of this variant in disease. Therefore, it has been classified as a Variant of Uncertain Significance.

Breakthrough Genomics
Classification: Uncertain significance. Review status: criteria provided, single submitter. Criteria: ACMG Guidelines, 2015. Collection method: not provided. Allele origin: germline. Inheritance: Autosomal recessive inheritance. Affected: yes.

NM_003331.5(TYK2):c.3326T>G (p.Leu1109Arg)

Gene: TYK2 (tyrosine kinase 2; minus strand). Cytogenetic location: 19p13.2.
Variant type: single nucleotide variant.
Coding change: c.3326T>G on transcript NM_003331.5 (MANE Select); coding-DNA position 3326, T replaced by G.
Protein change: p.Leu1109Arg; replaces leucine 1109 with arginine.
Molecular consequence: missense variant. On other transcripts: intron variant (1).
Genome position (GRCh38, 1-based): chr19:10,351,155, A>C on the plus strand (T>G on the coding strand, the complement: TYK2 is on the minus strand). VCF-style: chr19-10351155-A-C. GRCh37 (hg19) VCF-style: chr19-10461831-A-C.
Other names: c.3176T>G, p.Leu1059Arg (NM_001385198.1); c.3140T>G, p.Leu1047Arg (NM_001385199.1); c.3323T>G, p.Leu1108Arg (NM_001385200.1); c.3128T>G, p.Leu1043Arg (NM_001385201.1); c.3242T>G, p.Leu1081Arg (NM_001385202.1); c.3407T>G, p.Leu1136Arg (NM_001385203.1); c.3536T>G, p.Leu1179Arg (NM_001385204.1); c.3236T>G, p.Leu1079Arg (NM_001385205.1); and 3 more; short protein forms L1109R, L1179R, L1081R, L1136R, L1043R, L1047R, L1103R, L1108R.
Identifiers: ClinVar variation 1376618 (VCV001376618.6), dbSNP rs753179617, ClinGen allele CA9192749.